The following is an entry in ClinVar:

NM_001080488.2(ONECUT3):c.954C>G (p.Ala318=)

Gene: ONECUT3 (one cut homeobox 3; plus strand). Cytogenetic location: 19p13.3.
Variant type: single nucleotide variant.
Coding change: c.954C>G on transcript NM_001080488.2 (MANE Select); coding-DNA position 954, C replaced by G.
Protein change: p.Ala318=; no amino-acid change (alanine 318 retained).
Molecular consequence: synonymous variant.
Genome position (GRCh38, 1-based): chr19:1,754,616, C>G. VCF-style: chr19-1754616-C-G. GRCh37 (hg19) VCF-style: chr19-1754615-C-G.
Identifiers: ClinVar variation 4873060 (VCV004873060.2).

ClinVar aggregate classification (germline): Likely benign (1 of 4 stars; one submission).

gnomAD v4.1: 143 of 1,438,994 alleles (0.0099%); highest among the groups gnomAD compares: Non-Finnish European, 0.012%; no homozygotes.

Submission:

CeGaT Center for Human Genetics Tuebingen
Classification: Likely benign. Last evaluated: 2026-05-01. Review status: criteria provided, single submitter. Criteria: CeGaT Center For Human Genetics Tuebingen Variant Classification Criteria Version 2. Collection method: clinical testing. Allele origin: germline. Affected: yes. Observed: 1 variant allele.
Comment: ONECUT3: BP4, BP7